The following is an entry in ClinVar:

ClinVar aggregate classification (germline): Uncertain significance. Review status: criteria provided, multiple submitters, no conflicts (2 of 4 stars). 3 submissions from 3 submitters: Uncertain significance (2). 1 of the submissions does not count toward it. Last evaluated 2024-08-30.

Conditions:
NPHP3-related disorder. Also called: NPHP3-related disorders; NPHP3-related condition. Identifiers: MedGen CN379163.
Nephronophthisis. Also called: Juvenile Nephronophthisis. Identifiers: Orphanet 655, MedGen C0687120, MONDO:0019005, HP:0000090.

Allele frequency attached by ClinVar (database versions not stated): gnomAD exomes below 0.00001; gnomAD 0.00001; TOPMed 0.00001.
gnomAD v4.1: 3 of 1,589,384 alleles (0.00019%); highest among the groups gnomAD compares: South Asian, 0.0011%; no homozygotes.

Submissions (3):

Labcorp Genetics (formerly Invitae), Labcorp
Classification: Uncertain significance for Nephronophthisis. Last evaluated: 2024-08-30. Review status: criteria provided, single submitter. Criteria: Invitae Variant Classification Sherloc (09022015). Collection method: clinical testing. Allele origin: germline.
Comment: This sequence change replaces leucine, which is neutral and non-polar, with valine, which is neutral and non-polar, at codon 580 of the NPHP3 protein (p.Leu580Val). This variant is not present in population databases (gnomAD no frequency). This variant has not been reported in the literature in individuals affected with NPHP3-related conditions. ClinVar contains an entry for this variant (Variation ID: 595756). Invitae Evidence Modeling of protein sequence and biophysical properties (such as structural, functional, and spatial information, amino acid conservation, physicochemical variation, residue mobility, and thermodynamic stability) indicates that this missense variant is not expected to disrupt NPHP3 protein function with a negative predictive value of 80%. In summary, the available evidence is currently insufficient to determine the role of this variant in disease. Therefore, it has been classified as a Variant of Uncertain Significance.

Eurofins Ntd Llc (ga)
Classification: Uncertain significance. Last evaluated: 2018-01-12. Review status: criteria provided, single submitter. Criteria: EGL Classification Definitions 2015. Collection method: clinical testing. Allele origin: germline. Observed: 1 variant allele, 1 heterozygote.

PreventionGenetics, part of Exact Sciences
Classification: Uncertain significance for NPHP3-related condition. Last evaluated: 2023-11-27. Review status: no assertion criteria provided. Collection method: clinical testing. Allele origin: germline. Not counted in ClinVar's aggregate classification.
Comment: The NPHP3 c.1738C>G variant is predicted to result in the amino acid substitution p.Leu580Val. To our knowledge, this variant has not been reported in the literature or in a large population database, indicating this variant is rare. At this time, the clinical significance of this variant is uncertain due to the absence of conclusive functional and genetic evidence.

NM_153240.5(NPHP3):c.1738C>G (p.Leu580Val)

Genes: NPHP3 (nephrocystin 3; minus strand), NPHP3-ACAD11 (NPHP3-ACAD11 readthrough (NMD candidate); minus strand). Cytogenetic location: 3q22.1.
Variant type: single nucleotide variant.
Coding change: c.1738C>G on transcript NM_153240.5 (MANE Select); coding-DNA position 1738, C replaced by G.
Protein change: p.Leu580Val; replaces leucine 580 with valine.
Molecular consequence: missense variant. On other transcripts: non-coding transcript variant (1).
Genome position (GRCh38, 1-based): chr3:132,700,339, G>C on the plus strand (C>G on the coding strand, the complement: NPHP3 is on the minus strand). VCF-style: chr3-132700339-G-C. GRCh37 (hg19) VCF-style: chr3-132419183-G-C.
Other names: c.1738C>G (NM_153240.4); short protein forms L580V.
Identifiers: ClinVar variation 595756 (VCV000595756.10), dbSNP rs1399616263, ClinGen allele CA354582922.